The following is an entry in ClinVar:

ClinVar aggregate classification (germline): Uncertain significance (1 of 4 stars; one submission).

Allele frequency attached by ClinVar (database versions not stated): ExAC 0.00001; gnomAD exomes 0.00002.
gnomAD v4.1: 3 of 1,614,210 alleles (0.00019%); highest among the groups gnomAD compares: Admixed American, 0.005%; no homozygotes.

Submission:

Labcorp Genetics (formerly Invitae), Labcorp
Classification: Uncertain significance. Last evaluated: 2021-07-26. Review status: criteria provided, single submitter. Criteria: Invitae Variant Classification Sherloc (09022015). Collection method: clinical testing. Allele origin: germline.
Comment: Algorithms developed to predict the effect of missense changes on protein structure and function are either unavailable or do not agree on the potential impact of this missense change (SIFT: "Deleterious"; PolyPhen-2: "Possibly Damaging"; Align-GVGD: "Class C0"). In summary, the available evidence is currently insufficient to determine the role of this variant in disease. Therefore, it has been classified as a Variant of Uncertain Significance. This variant has not been reported in the literature in individuals affected with ADCY1-related conditions. This sequence change replaces aspartic acid with histidine at codon 451 of the ADCY1 protein (p.Asp451His). The aspartic acid residue is highly conserved and there is a moderate physicochemical difference between aspartic acid and histidine. This variant is present in population databases (rs753960227, ExAC 0.009%).

NM_021116.4(ADCY1):c.1351G>C (p.Asp451His)

Gene: ADCY1 (adenylate cyclase 1; plus strand). Cytogenetic location: 7p12.3.
Variant type: single nucleotide variant.
Coding change: c.1351G>C on transcript NM_021116.4 (MANE Select); coding-DNA position 1351, G replaced by C.
Protein change: p.Asp451His; replaces aspartic acid 451 with histidine.
Molecular consequence: missense variant.
Genome position (GRCh38, 1-based): chr7:45,660,085, G>C. VCF-style: chr7-45660085-G-C. GRCh37 (hg19) VCF-style: chr7-45699684-G-C.
Other names: c.676G>C, p.Asp226His (NM_001281768.2); short protein forms D226H, D451H.
Identifiers: ClinVar variation 1407505 (VCV001407505.8), dbSNP rs753960227, ClinGen allele CA4248937.